The following is an entry in ClinVar:

NM_004415.4(DSP):c.3896T>G (p.Met1299Arg)

Gene: DSP (desmoplakin; plus strand). Cytogenetic location: 6p24.3.
Variant type: single nucleotide variant.
Coding change: c.3896T>G on transcript NM_004415.4 (MANE Select); coding-DNA position 3896, T replaced by G.
Protein change: p.Met1299Arg; replaces methionine 1299 with arginine.
Molecular consequence: missense variant. On other transcripts: intron variant (1).
Genome position (GRCh38, 1-based): chr6:7,580,086, T>G. VCF-style: chr6-7580086-T-G. GRCh37 (hg19) VCF-style: chr6-7580319-T-G.
Other names: c.3896T>G, p.Met1299Arg (NM_001319034.2); c.3582+314T>G (NM_001008844.3); short protein forms M1299R.
Identifiers: ClinVar variation 3505502 (VCV003505502.2).

ClinVar aggregate classification (germline): Uncertain significance. Review status: criteria provided, multiple submitters, no conflicts (2 of 4 stars). 2 submissions from 2 submitters: Uncertain significance (2). Last evaluated 2025-09-09.

Conditions:
Cardiomyopathy (CMYO). Also called: Cardiomyopathies. Identifiers: Orphanet 167848, MedGen C0878544, MONDO:0004994, HP:0001638. Inheritance: Various modes of inheritance.
Cardiovascular phenotype. Identifiers: MedGen CN230736.

Submissions (2):

Color Diagnostics, LLC DBA Color Health
Classification: Uncertain significance for Cardiomyopathy. Last evaluated: 2025-09-09. Review status: criteria provided, single submitter. Criteria: ACMG Guidelines, 2015. Collection method: clinical testing. Allele origin: germline.
Comment: This missense variant replaces methionine with arginine at codon 1299 of the DSP protein. Computational prediction suggests that this variant may not impact protein structure and function. To our knowledge, functional studies have not been reported for this variant. This variant has been reported in an individual with suspected hypertrophic cardiomyopathy (PMID: 33954932). This variant has been identified in 1/250916 chromosomes in the general population by the Genome Aggregation Database (gnomAD). The available evidence is insufficient to determine the role of this variant in disease conclusively. Therefore, this variant is classified as a Variant of Uncertain Significance.

Ambry Genetics
Classification: Uncertain significance for Cardiovascular phenotype. Last evaluated: 2024-10-07. Review status: criteria provided, single submitter. Criteria: Ambry Variant Classification Scheme 2023. Collection method: clinical testing. Allele origin: germline.
Comment: The p.M1299R variant (also known as c.3896T>G), located in coding exon 23 of the DSP gene, results from a T to G substitution at nucleotide position 3896. The methionine at codon 1299 is replaced by arginine, an amino acid with similar properties. This amino acid position is conserved. In addition, this alteration is predicted to be tolerated by in silico analysis. Based on the available evidence, the clinical significance of this variant remains unclear.

Literature cited by the submitters: PubMed 33954932 (cited by Color Diagnostics, LLC DBA Color Health).